The following is an entry in ClinVar:

NM_001999.4(FBN2):c.7293C>T (p.Ala2431=)

Gene: FBN2 (fibrillin 2; minus strand). Cytogenetic location: 5q23.3.
Variant type: single nucleotide variant.
Coding change: c.7293C>T on transcript NM_001999.4 (MANE Select); coding-DNA position 7293, C replaced by T.
Protein change: p.Ala2431=; no amino-acid change (alanine 2431 retained).
Molecular consequence: synonymous variant.
Genome position (GRCh38, 1-based): chr5:128,278,687, G>A on the plus strand (C>T on the coding strand, the complement: FBN2 is on the minus strand). VCF-style: chr5-128278687-G-A. GRCh37 (hg19) VCF-style: chr5-127614379-G-A.
Identifiers: ClinVar variation 381562 (VCV000381562.1), dbSNP rs1057521075, ClinGen allele CA16604689.
Genomic context (GRCh38, chr5:128,278,687, plus strand): 5'-CTCCTTACCTCTTCCATCAGTTGTATATCCTGGGCCATGAGGACATATCTTTTTGTACTG[G>A]GCAGTTCCAGGAAGTGGGCAAAGCTCGCACTGGTGGCCCCAGCCTCGCCCACCATCACAG-3'
Protein context (NP_001990.2, residues 2421-2441): QCELCPLPGT[Ala2431=]QYKKICPHGP

ClinVar aggregate classification (germline): Likely benign (1 of 4 stars; one submission).

Submission:

GeneDx
Classification: Likely benign. Last evaluated: 2015-11-18. Review status: criteria provided, single submitter. Criteria: GeneDx Variant Classification (06012015). Collection method: clinical testing. Allele origin: germline. Affected: yes.
Comment: This variant is considered likely benign or benign based on one or more of the following criteria: it is a conservative change, it occurs at a poorly conserved position in the protein, it is predicted to be benign by multiple in silico algorithms, and/or has population frequency not consistent with disease.